The following is an entry in ClinVar:

ClinVar aggregate classification (germline): Conflicting classifications of pathogenicity. Review status: criteria provided, conflicting classifications (1 of 4 stars). 4 submissions from 4 submitters: Uncertain significance (1); Likely benign (2). 1 of the submissions does not count toward it. Last evaluated 2025-08-04.

Conditions:
INSR-related disorder.

Allele frequency attached by ClinVar (database versions not stated): gnomAD 0.00005 and 0.00006; gnomAD exomes 0.00005 and 0.00008; TOPMed 0.00006; ExAC 0.00007; ESP Exome Variant Server 0.00015.
gnomAD v4.1: 80 of 1,613,726 alleles (0.005%); highest among the groups gnomAD compares: Admixed American, 0.027%; no homozygotes.

Submissions (4):

Labcorp Genetics (formerly Invitae), Labcorp
Classification: Likely benign. Last evaluated: 2025-08-04. Review status: criteria provided, single submitter. Criteria: Invitae Variant Classification Sherloc (09022015). Collection method: clinical testing. Allele origin: germline.

Blueprint Genetics
Classification: Likely benign. Last evaluated: 2024-04-24. Review status: criteria provided, single submitter. Criteria: ACMG Guidelines, 2015. Collection method: clinical testing. Allele origin: germline.

Eurofins Ntd Llc (ga)
Classification: Uncertain significance. Last evaluated: 2018-08-29. Review status: criteria provided, single submitter. Criteria: EGL ClinVar v180209 classification definitions. Collection method: clinical testing. Allele origin: germline. Observed: 1 variant allele, 1 heterozygote.

PreventionGenetics, part of Exact Sciences
Classification: Likely benign for INSR-related condition. Last evaluated: 2019-08-09. Review status: no assertion criteria provided. Collection method: clinical testing. Allele origin: germline. Not counted in ClinVar's aggregate classification.
Comment: This variant is classified as likely benign based on ACMG/AMP sequence variant interpretation guidelines (Richards et al. 2015 PMID: 25741868, with internal and published modifications).

NM_000208.4(INSR):c.3042C>T (p.Asp1014=)

Gene: INSR (insulin receptor; minus strand). Cytogenetic location: 19p13.2.
Variant type: single nucleotide variant.
Coding change: c.3042C>T on transcript NM_000208.4 (MANE Select); coding-DNA position 3042, C replaced by T.
Protein change: p.Asp1014=; no amino-acid change (aspartic acid 1014 retained).
Molecular consequence: synonymous variant.
Genome position (GRCh38, 1-based): chr19:7,125,499, G>A on the plus strand (C>T on the coding strand, the complement: INSR is on the minus strand). VCF-style: chr19-7125499-G-A. GRCh37 (hg19) VCF-style: chr19-7125510-G-A.
Other names: c.3006C>T, p.Asp1002= (NM_001079817.3); c.3042C>T (NM_000208.3).
Identifiers: ClinVar variation 598533 (VCV000598533.9), dbSNP rs369686949, ClinGen allele CA9135370.
Genomic context (GRCh38, chr19:7,125,499, plus strand): 5'-GAAGGAGCCCTGCCCCAGCTCTCGAAGGAGGGTGATCTTCTCTCGAGACACCTCCCACTC[G>A]TCCGGCACGTACACAGAGCATGGAAACACTACTTCTTACTTATCTACACAGCATCCTTGG-3'
Protein context (NP_000199.2, residues 1004-1024): DVFPCSVYVP[Asp1014=]EWEVSREKIT